The following is an entry in ClinVar:

ClinVar aggregate classification (germline): Likely pathogenic (1 of 4 stars; one submission).

Conditions:
Telangiectasia, hereditary hemorrhagic, type 2 (HHT2). Also called: ACVRL1-Related Hereditary Hemorrhagic Telangiectasia; Telangiectasia, hereditary hemorrhagic, type II. Identifiers: Orphanet 774, MedGen C1838163, MONDO:0010880, OMIM 600376. Disease mechanism: loss of function.

Submission:

ARUP Laboratories, Molecular Genetics and Genomics, ARUP Laboratories
Classification: Likely pathogenic for Telangiectasia, hereditary hemorrhagic, type 2. Last evaluated: 2020-03-09. Review status: criteria provided, single submitter. Criteria: ARUP Molecular Germline Variant Investigation Process. Collection method: clinical testing. Allele origin: germline.
Comment: The ACVRL1 c.999C>G; p.Ser333Arg variant, to our knowledge, is not reported in the medical literature or gene specific databases. This variant is also absent from general population databases (Exome Variant Server, Genome Aggregation Database), indicating it is not a common polymorphism. The serine at codon 333 is a highly conserved residue located in the active site of the protein kinase domain (InterPro), and computational analyses (SIFT, PolyPhen-2) predict that this variant is deleterious. Additionally, other amino acid substitutions at this codon (Ile, Asn, Gly) have been reported in individuals with HHT and are considered to be causative (Abdalla 2000, Berg 1997, Lux 2013, McDonald 2011, Schulte 2005, see HHT database link). Based on available information, the p.Ser333Arg variant is considered to be likely pathogenic. REFERENCES Link to HHT ACVRL1 database: Abdalla SA et al. Analysis of ALK-1 and endoglin in newborns from families with hereditary hemorrhagic telangiectasia type 2. Hum Mol Genet. 2000 May 1;9(8):1227-37. Berg JN et al. The activin receptor-like kinase 1 gene: genomic structure and mutations in hereditary hemorrhagic telangiectasia type 2. Am J Hum Genet. 1997 Jul;61(1):60-7. Lux A et al. HHT diagnosis by Mid-infrared spectroscopy and artificial neural network analysis. Orphanet J Rare Dis. 2013 Jun 27;8:94. McDonald J et al. Molecular diagnosis in hereditary hemorrhagic telangiectasia: findings in a series tested simultaneously by sequencing and deletion/duplication analysis. Clin Genet. 2011 Apr;79(4):335-44. Schulte C et al. High frequency of ENG and ALK1/ACVRL1 mutations in German HHT patients. Hum Mutat. 2005 Jun;25(6):595.

NM_000020.3(ACVRL1):c.999C>G (p.Ser333Arg)

Gene: ACVRL1 (activin A receptor like type 1; plus strand). Cytogenetic location: 12q13.13.
Variant type: single nucleotide variant.
Coding change: c.999C>G on transcript NM_000020.3 (MANE Select); coding-DNA position 999, C replaced by G.
Protein change: p.Ser333Arg; replaces serine 333 with arginine.
Molecular consequence: missense variant.
Genome position (GRCh38, 1-based): chr12:51,915,451, C>G. VCF-style: chr12-51915451-C-G. GRCh37 (hg19) VCF-style: chr12-52309235-C-G.
Other names: c.999C>G, p.Ser333Arg (NM_001077401.2); short protein forms S333R.
Identifiers: ClinVar variation 994057 (VCV000994057.8), dbSNP rs1453780248, ClinGen allele CA384901524.
Genomic context (GRCh38, chr12:51,915,451, plus strand): 5'-GCACGTGGAGATCTTCGGTACACAGGGCAAACCAGCCATTGCCCACCGCGACTTCAAGAG[C>G]CGCAATGTGCTGGTCAAGAGCAACCTGCAGTGTTGCATCGCCGACCTGGGTGAGCCGGGC-3'
Protein context (NP_000011.2, residues 323-343): KPAIAHRDFK[Ser333Arg]RNVLVKSNLQ